The following is an entry in ClinVar:

NM_017491.5(WDR1):c.12G>C (p.Glu4Asp)

Genes: WDR1 (WD repeat domain 1; minus strand), LOC129992246 (ATAC-STARR-seq lymphoblastoid silent region 15278; plus strand). Cytogenetic location: 4p16.1.
Variant type: single nucleotide variant.
Coding change: c.12G>C on transcript NM_017491.5 (MANE Select); coding-DNA position 12, G replaced by C.
Protein change: p.Glu4Asp; replaces glutamic acid 4 with aspartic acid.
Molecular consequence: missense variant.
Genome position (GRCh38, 1-based): chr4:10,116,655, C>G on the plus strand (G>C on the coding strand, the complement: WDR1 is on the minus strand). VCF-style: chr4-10116655-C-G. GRCh37 (hg19) VCF-style: chr4-10118279-C-G.
Other names: c.12G>C, p.Glu4Asp (NM_005112.5); short protein forms E4D.
Identifiers: ClinVar variation 1462247 (VCV001462247.7), dbSNP rs1713760849, ClinGen allele CA356366258.

ClinVar aggregate classification (germline): Uncertain significance (1 of 4 stars; one submission).

Submission:

Labcorp Genetics (formerly Invitae), Labcorp
Classification: Uncertain significance. Last evaluated: 2022-02-10. Review status: criteria provided, single submitter. Criteria: Invitae Variant Classification Sherloc (09022015). Collection method: clinical testing. Allele origin: germline.
Comment: In summary, the available evidence is currently insufficient to determine the role of this variant in disease. Therefore, it has been classified as a Variant of Uncertain Significance. Algorithms developed to predict the effect of missense changes on protein structure and function (SIFT, PolyPhen-2, Align-GVGD) all suggest that this variant is likely to be tolerated. This variant has not been reported in the literature in individuals affected with WDR1-related conditions. This variant is not present in population databases (gnomAD no frequency). This sequence change replaces glutamic acid, which is acidic and polar, with aspartic acid, which is acidic and polar, at codon 4 of the WDR1 protein (p.Glu4Asp).